The following is an entry in ClinVar:

ClinVar aggregate classification (germline): Uncertain significance. Review status: criteria provided, multiple submitters, no conflicts (2 of 4 stars). 2 submissions from 2 submitters: Uncertain significance (2). Last evaluated 2023-03-17.

Conditions:
Inborn genetic diseases. Identifiers: MedGen C0950123, MeSH D030342.
Multiple congenital anomalies-hypotonia-seizures syndrome 3 (MCAHS3). Also called: GLYCOSYLPHOSPHATIDYLINOSITOL BIOSYNTHESIS DEFECT 7. Identifiers: Orphanet 369837, MedGen C3809356, MONDO:0014165, OMIM 615398.

Submissions (2):

Ambry Genetics
Classification: Uncertain significance for Inborn genetic diseases. Last evaluated: 2023-03-17. Review status: criteria provided, single submitter. Criteria: Ambry Variant Classification Scheme 2023. Collection method: clinical testing. Allele origin: germline.

Labcorp Genetics (formerly Invitae), Labcorp
Classification: Uncertain significance for Multiple congenital anomalies-hypotonia-seizures syndrome 3. Last evaluated: 2022-05-30. Review status: criteria provided, single submitter. Criteria: Invitae Variant Classification Sherloc (09022015). Collection method: clinical testing. Allele origin: germline.
Comment: This sequence change replaces alanine, which is neutral and non-polar, with serine, which is neutral and polar, at codon 248 of the PIGT protein (p.Ala248Ser). The frequency data for this variant in the population databases is considered unreliable, as metrics indicate poor data quality at this position in the gnomAD database. This variant has not been reported in the literature in individuals affected with PIGT-related conditions. Algorithms developed to predict the effect of missense changes on protein structure and function (SIFT, PolyPhen-2, Align-GVGD) all suggest that this variant is likely to be tolerated. In summary, the available evidence is currently insufficient to determine the role of this variant in disease. Therefore, it has been classified as a Variant of Uncertain Significance.

NM_015937.6(PIGT):c.742G>T (p.Ala248Ser)

Gene: PIGT (phosphatidylinositol glycan anchor biosynthesis class T; plus strand). Cytogenetic location: 20q13.12.
Variant type: single nucleotide variant.
Coding change: c.742G>T on transcript NM_015937.6 (MANE Select); coding-DNA position 742, G replaced by T.
Protein change: p.Ala248Ser; replaces alanine 248 with serine.
Molecular consequence: missense variant. On other transcripts: non-coding transcript variant (5).
Genome position (GRCh38, 1-based): chr20:45,420,196, G>T. VCF-style: chr20-45420196-G-T. GRCh37 (hg19) VCF-style: chr20-44048836-G-T.
Other names: c.742G>T (NM_015937.4); c.574G>T, p.Ala192Ser (NM_001184728.3); c.742G>T, p.Ala248Ser (NM_001184729.3); c.436G>T, p.Ala146Ser (NM_001184730.3); short protein forms A146S, A248S, A192S.
Identifiers: ClinVar variation 1961491 (VCV001961491.7), dbSNP rs1236300751, ClinGen allele CA409167419.
Genomic context (GRCh38, chr20:45,420,196, plus strand): 5'-AATGCACGCTGTACTAGCATCTCCTGGGAGCTGAGGCAGACCCTGTCAGTTGTATTTGAT[G>T]CCTTCATCACGGGGCAGGGAAAGAAAGGTAAGTTACCTTGGCAACTCATCTGTACCCACC-3'
Protein context (NP_057021.2, residues 238-258): LRQTLSVVFD[Ala248Ser]FITGQGKKDW